The following is an entry in ClinVar:

ClinVar aggregate classification (germline): Likely pathogenic (1 of 4 stars; one submission).

Submission:

GeneDx
Classification: Likely pathogenic. Last evaluated: 2016-09-07. Review status: criteria provided, single submitter. Criteria: GeneDx Variant Classification (06012015). Collection method: clinical testing. Allele origin: germline. Affected: yes.
Comment: A novel H269R variant that is likely pathogenic was identified in the PCCA gene. It has not been published as a pathogenic variant, nor has it been reported as a benign variant to our knowledge. The H269R variant was not observed in approximately 6,400 individuals of European and African American ancestry in the NHLBI Exome Sequencing Project, indicating it is not a common benign variant in these populations. The H269R variant is a conservative amino acid substitution, which is not likely to impact secondary protein structure as these residues share similar properties. This substitution occurs at a position that is conserved across species, and in silico analysis predicts this variant is probably damaging to the protein structure/function. Therefore, this variant is likely pathogenic; however, the possibility that it is benign cannot be excluded.

NM_000282.4(PCCA):c.806A>G (p.His269Arg)

Gene: PCCA (propionyl-CoA carboxylase subunit alpha; plus strand). Cytogenetic location: 13q32.3.
Variant type: single nucleotide variant.
Coding change: c.806A>G on transcript NM_000282.4 (MANE Select); coding-DNA position 806, A replaced by G.
Protein change: p.His269Arg; replaces histidine 269 with arginine.
Molecular consequence: missense variant. On other transcripts: 5 prime UTR variant (3), non-coding transcript variant (5).
Genome position (GRCh38, 1-based): chr13:100,262,818, A>G. VCF-style: chr13-100262818-A-G. GRCh37 (hg19) VCF-style: chr13-100915072-A-G.
Other names: c.728A>G, p.His243Arg (NM_001127692.3, NM_001352607.2, NM_001352608.2); c.806A>G, p.His269Arg (NM_001178004.2, NM_001352605.2, NM_001352606.2 and 1 more transcripts); c.-140A>G (NM_001352610.2, NM_001352611.2, NM_001352612.2); short protein forms H269R, H243R.
Identifiers: ClinVar variation 265708 (VCV000265708.2), dbSNP rs886039751, ClinGen allele CA10588557.